The following is an entry in ClinVar:

NM_003482.4(KMT2D):c.15564C>T (p.Ile5188=)

Gene: KMT2D (lysine methyltransferase 2D; minus strand). Cytogenetic location: 12q13.12.
Variant type: single nucleotide variant.
Coding change: c.15564C>T on transcript NM_003482.4 (MANE Select); coding-DNA position 15564, C replaced by T.
Protein change: p.Ile5188=; no amino-acid change (isoleucine 5188 retained).
Molecular consequence: synonymous variant.
Genome position (GRCh38, 1-based): chr12:49,026,402, G>A on the plus strand (C>T on the coding strand, the complement: KMT2D is on the minus strand). VCF-style: chr12-49026402-G-A. GRCh37 (hg19) VCF-style: chr12-49420185-G-A.
Identifiers: ClinVar variation 2158057 (VCV002158057.6), dbSNP rs748446572, ClinGen allele CA6545537.

ClinVar aggregate classification (germline): Likely benign. Review status: criteria provided, multiple submitters, no conflicts (2 of 4 stars). 3 submissions from 3 submitters: Likely benign (2). 1 of the submissions does not count toward it. Last evaluated 2025-06-12.

Conditions:
KMT2D-related disorder. Also called: KMT2D-Related Disorders.
Kabuki syndrome. Also called: NIIKAWA-KUROKI SYNDROME; Kabuki make-up syndrome. Identifiers: Orphanet 2322, MedGen C0796004, MONDO:0016512.
Kabuki syndrome 1 (KABUK1). Also called: KMT2D-Related Kabuki Syndrome. Identifiers: Orphanet 2322, MedGen CN030661, MONDO:0007843, OMIM 147920.

Allele frequency attached by ClinVar (database versions not stated): TOPMed below 0.00001.
gnomAD v4.1: 7 of 1,613,728 alleles (0.00043%); highest among the groups gnomAD compares: Admixed American, 0.0033%; no homozygotes.

Submissions (3):

PreventionGenetics, part of Exact Sciences
Classification: Likely benign for KMT2D-related condition. Last evaluated: 2025-06-12. Review status: criteria provided, single submitter. Criteria: ACMG Guidelines, 2015. Collection method: clinical testing. Allele origin: germline.
Comment: This variant is classified as likely benign based on ACMG/AMP sequence variant interpretation guidelines (Richards et al. 2015 PMID: 25741868, with internal and published modifications).

Labcorp Genetics (formerly Invitae), Labcorp
Classification: Likely benign for Kabuki syndrome. Last evaluated: 2025-04-01. Review status: criteria provided, single submitter. Criteria: Invitae Variant Classification Sherloc (09022015). Collection method: clinical testing. Allele origin: germline.

Hong-Tao Li Lab, Institute of Brain Science and Brain-inspired Research, Shandong First Medical University & Shandong Academy of Medical Sciences China
Classification: Uncertain significance for Kabuki syndrome 1. Review status: no assertion criteria provided. Collection method: research. Allele origin: germline. Inheritance: Autosomal dominant inheritance. Affected: yes. Observed: 1 variant allele, 1 heterozygote. Not counted in ClinVar's aggregate classification.
Comment: Observed in affected individuals from a Pakistani neurodevelopmental-disorder research cohort of 263 individuals. Classification assigned using the ACMG/AMP framework. Population-frequency evidence: gnomAD AF 3.214e-05.